The following is an entry in ClinVar:

ClinVar aggregate classification (germline): Uncertain significance (1 of 4 stars; one submission).

Conditions:
CFI-related disorder. Also called: CFI-related condition; CFI-related disorders. Identifiers: MedGen CN239325.

Submission:

Genomenon, Inc
Classification: Uncertain significance for CFI-related disorder. Last evaluated: 2026-09-17. Review status: criteria provided, single submitter. Criteria: Genomenon Sequence Variant Interpretation Standards - Updated. Collection method: curation. Allele origin: germline. Affected: no.
Comment: CFI p.Asp242Ala (c.725A>C) is a missense variant that changes the amino acid at codon 242 from Aspartic acid to Alanine. This variant has been reported in the published literature (PMID:37363824). This variant is located in a mutational hotspot and/or important functional domain. It is absent or not present at a significant frequency in gnomAD. In silico models predict that this variant is possibly or probably damaging. In conclusion, we classify CFI p.Asp242Ala (c.725A>C) as a variant of uncertain significance.

Literature cited by the submitters: PubMed 37363824.

NM_000204.5(CFI):c.725A>C (p.Asp242Ala)

Gene: CFI (complement factor I; minus strand). Cytogenetic location: 4q25.
Variant type: single nucleotide variant.
Coding change: c.725A>C on transcript NM_000204.5 (MANE Select); coding-DNA position 725, A replaced by C.
Protein change: p.Asp242Ala; replaces aspartic acid 242 with alanine.
Molecular consequence: missense variant. On other transcripts: non-coding transcript variant (3).
Genome position (GRCh38, 1-based): chr4:109,760,570, T>G on the plus strand (A>C on the coding strand, the complement: CFI is on the minus strand). VCF-style: chr4-109760570-T-G. GRCh37 (hg19) VCF-style: chr4-110681726-T-G.
Other names: c.725A>C, p.Asp242Ala (NM_001318057.2, NM_001331035.2, NM_001375278.1 and 10 more transcripts); c.116A>C, p.Asp39Ala (NM_001375284.1); short protein forms D242A, D39A.
Identifiers: ClinVar variation 4280451 (VCV004280451.2).